The following is an entry in ClinVar:

NM_006267.5(RANBP2):c.4239A>G (p.Pro1413=)

Gene: RANBP2 (RAN binding protein 2; plus strand). Cytogenetic location: 2q13.
Variant type: single nucleotide variant.
Coding change: c.4239A>G on transcript NM_006267.5 (MANE Select); coding-DNA position 4239, A replaced by G.
Protein change: p.Pro1413=; no amino-acid change (proline 1413 retained).
Molecular consequence: synonymous variant.
Genome position (GRCh38, 1-based): chr2:108,764,778, A>G. VCF-style: chr2-108764778-A-G. GRCh37 (hg19) VCF-style: chr2-109381234-A-G.
Identifiers: ClinVar variation 513851 (VCV000513851.1), dbSNP rs1553495415, ClinGen allele CA428201703.
Genomic context (GRCh38, chr2:108,764,778, plus strand): 5'-TGTTTTTACTCCTAAAACCAGCCCAGAGAATGTTCAAGATCGATTTGCATTGGTGACTCC[A>G]AAGAAAGAAGGTCACTGGGATTGTAGTATTTGTTTAGTAAGAAATGAACCTACTGTATCT-3'
Protein context (NP_006258.3, residues 1403-1423): NVQDRFALVT[Pro1413=]KKEGHWDCSI

ClinVar aggregate classification (germline): Likely benign (1 of 4 stars; one submission).

Allele frequency attached by ClinVar (database versions not stated): gnomAD exomes below 0.00001.
gnomAD v4.1: 1 of 1,614,068 alleles (0.000062%); highest among the groups gnomAD compares: Non-Finnish European, 0.000085%; no homozygotes.

Submission:

GeneDx
Classification: Likely benign. Last evaluated: 2017-12-22. Review status: criteria provided, single submitter. Criteria: GeneDx Variant Classification (06012015). Collection method: clinical testing. Allele origin: germline. Affected: yes.
Comment: This variant is considered likely benign or benign based on one or more of the following criteria: it is a conservative change, it occurs at a poorly conserved position in the protein, it is predicted to be benign by multiple in silico algorithms, and/or has population frequency not consistent with disease.